The following is an entry in ClinVar:

ClinVar aggregate classification (germline): Uncertain significance (1 of 4 stars; one submission).

Conditions:
Hereditary cancer-predisposing syndrome. Also called: Neoplastic Syndromes, Hereditary; Hereditary Cancer Syndrome; Tumor predisposition; Hereditary neoplastic syndrome. Identifiers: Orphanet 140162, MedGen C0027672, MeSH D009386, MONDO:0015356.

Submission:

Ambry Genetics
Classification: Uncertain significance for Hereditary cancer-predisposing syndrome. Last evaluated: 2024-12-12. Review status: criteria provided, single submitter. Criteria: Ambry Variant Classification Scheme 2023. Collection method: clinical testing. Allele origin: germline.
Comment: The p.P1218S variant (also known as c.3652C>T), located in coding exon 30 of the TSC2 gene, results from a C to T substitution at nucleotide position 3652. The proline at codon 1218 is replaced by serine, an amino acid with similar properties. This amino acid position is conserved. In addition, the in silico prediction for this alteration is inconclusive. Based on the available evidence, the clinical significance of this variant remains unclear.

NM_000548.5(TSC2):c.3652C>T (p.Pro1218Ser)

Gene: TSC2 (TSC complex subunit 2; plus strand). Cytogenetic location: 16p13.3.
Variant type: single nucleotide variant.
Coding change: c.3652C>T on transcript NM_000548.5 (MANE Select); coding-DNA position 3652, C replaced by T.
Protein change: p.Pro1218Ser; replaces proline 1218 with serine.
Molecular consequence: missense variant. On other transcripts: non-coding transcript variant (5).
Genome position (GRCh38, 1-based): chr16:2,081,636, C>T. VCF-style: chr16-2081636-C-T. GRCh37 (hg19) VCF-style: chr16-2131637-C-T.
Other names: c.3520C>T, p.Pro1174Ser (NM_001077183.3, NM_001370404.1, NM_001406665.1); c.3652C>T, p.Pro1218Ser (NM_001114382.3); c.3412C>T, p.Pro1138Ser (NM_001318827.2); c.3376C>T, p.Pro1126Ser (NM_001318829.2); c.2920C>T, p.Pro974Ser (NM_001318831.2, NM_001406687.1, NM_001406688.1); c.3553C>T, p.Pro1185Ser (NM_001318832.2); c.3523C>T, p.Pro1175Ser (NM_001363528.2, NM_001370405.1, NM_021055.3); c.3649C>T, p.Pro1217Ser (NM_001406663.1, NM_001406664.1); and 18 more; short protein forms P1138S, P1185S, P1204S, P1021S, P1155S, P1171S, P1174S, P1217S.
Identifiers: ClinVar variation 3811308 (VCV003811308.1).